The following is an entry in ClinVar:

NM_001267550.2(TTN):c.104803C>T (p.Pro34935Ser)

Genes: TTN-AS1 (TTN antisense RNA 1; plus strand), TTN (titin; minus strand). Cytogenetic location: 2q31.2.
Variant type: single nucleotide variant.
Coding change: c.104803C>T on transcript NM_001267550.2 (MANE Select); coding-DNA position 104803, C replaced by T.
Protein change: p.Pro34935Ser; replaces proline 34935 with serine.
Molecular consequence: missense variant.
Genome position (GRCh38, 1-based): chr2:178,531,812, G>A on the plus strand (C>T on the coding strand, the complement: TTN is on the minus strand). VCF-style: chr2-178531812-G-A. GRCh37 (hg19) VCF-style: chr2-179396539-G-A.
Other names: c.99880C>T, p.Pro33294Ser (NM_001256850.1); c.77608C>T, p.Pro25870Ser (NM_003319.4); c.97099C>T, p.Pro32367Ser (NM_133378.4); c.77983C>T, p.Pro25995Ser (NM_133432.3); c.78184C>T, p.Pro26062Ser (NM_133437.4); short protein forms P25870S, P32367S, P33294S, P25995S, P34935S, P26062S.
Identifiers: ClinVar variation 4791007 (VCV004791007.1).

ClinVar aggregate classification (germline): Uncertain significance (1 of 4 stars; one submission).

Conditions:
Autosomal recessive limb-girdle muscular dystrophy type 2J (LGMDR10). Also called: Limb-girdle muscular dystrophy, type 2J; MUSCULAR DYSTROPHY, LIMB-GIRDLE, AUTOSOMAL RECESSIVE 10. Identifiers: Orphanet 140922, MedGen C1837342, MONDO:0012127, OMIM 608807.
Dilated cardiomyopathy 1G (CMD1G). Identifiers: Orphanet 154, MedGen C1858763, MONDO:0011400, OMIM 604145.

gnomAD v4.1: 4 of 1,613,980 alleles (0.00025%); highest among the groups gnomAD compares: Non-Finnish European, 0.00034%; no homozygotes.

Submission:

Labcorp Genetics (formerly Invitae), Labcorp
Classification: Uncertain significance for Dilated cardiomyopathy 1G; Autosomal recessive limb-girdle muscular dystrophy type 2J. Last evaluated: 2025-12-14. Review status: criteria provided, single submitter. Criteria: Invitae Variant Classification Sherloc (09022015). Collection method: clinical testing. Allele origin: germline.
Comment: This sequence change replaces proline, which is neutral and non-polar, with serine, which is neutral and polar, at codon 34935 of the TTN protein (p.Pro34935Ser). This variant is not present in population databases (gnomAD no frequency). This variant has not been reported in the literature in individuals affected with TTN-related conditions. Experimental studies and prediction algorithms are not available or were not evaluated, and the functional significance of this variant is currently unknown. This variant is located in the M band of TTN (PMID: 25589632). Non-truncating variants in this region may be relevant for neuromuscular disorders, but have not been definitively shown to cause cardiomyopathy (PMID: 23975875). In summary, the available evidence is currently insufficient to determine the role of this variant in disease. Therefore, it has been classified as a Variant of Uncertain Significance.

Literature cited by the submitters: PubMed 25589632; PubMed 23975875.